The following is an entry in ClinVar:

ClinVar aggregate classification (germline): Uncertain significance. Review status: criteria provided, multiple submitters, no conflicts (2 of 4 stars). 5 submissions from 5 submitters: Uncertain significance (4). 1 of the submissions does not count toward it. Last evaluated 2025-10-27.

Conditions:
Familial pancreatic carcinoma. Identifiers: Orphanet 1333, MedGen C2931038, MONDO:0015278, OMIM 260350.
Hereditary cancer-predisposing syndrome. Also called: Neoplastic Syndromes, Hereditary; Tumor predisposition; Hereditary Cancer Syndrome; Hereditary neoplastic syndrome. Identifiers: Orphanet 140162, MedGen C0027672, MeSH D009386, MONDO:0015356.
Familial cancer of breast. Also called: BREAST CANCER, FAMILIAL; Hereditary breast cancer; hereditary breast carcinoma. Identifiers: Orphanet 227535, MedGen C0346153, MONDO:0016419, OMIM 114480. Disease mechanism: loss of function.

Allele frequency attached by ClinVar (database versions not stated): gnomAD exomes below 0.00001 and 0.00001; gnomAD 0.00001; TOPMed 0.00001.
gnomAD v4.1: 2 of 1,613,694 alleles (0.00012%); highest among the groups gnomAD compares: East Asian, 0.0045%; no homozygotes.

Submissions (5):

Labcorp Genetics (formerly Invitae), Labcorp
Classification: Uncertain significance for Familial cancer of breast. Last evaluated: 2025-10-27. Review status: criteria provided, single submitter. Criteria: Invitae Variant Classification Sherloc (09022015). Collection method: clinical testing. Allele origin: germline.
Comment: This sequence change replaces glutamic acid, which is acidic and polar, with glutamine, which is neutral and polar, at codon 655 of the BARD1 protein (p.Glu655Gln). This variant is present in population databases (rs786203772, gnomAD 0.02%). This variant has not been reported in the literature in individuals affected with BARD1-related conditions. ClinVar contains an entry for this variant (Variation ID: 187488). An algorithm developed to predict the effect of missense changes on protein structure and function outputs the following: PolyPhen-2: "Benign". The glutamine amino acid residue is found in multiple mammalian species, which suggests that this missense change does not adversely affect protein function. In summary, the available evidence is currently insufficient to determine the role of this variant in disease. Therefore, it has been classified as a Variant of Uncertain Significance.

Ambry Genetics
Classification: Uncertain significance for Hereditary cancer-predisposing syndrome. Last evaluated: 2025-09-01. Review status: criteria provided, single submitter. Criteria: Ambry Variant Classification Scheme 2023. Collection method: clinical testing. Allele origin: germline.
Comment: The p.E655Q variant (also known as c.1963G>C), located in coding exon 10 of the BARD1 gene, results from a G to C substitution at nucleotide position 1963. The glutamic acid at codon 655 is replaced by glutamine, an amino acid with highly similar properties. This amino acid position is not well conserved in available vertebrate species. In addition, this alteration is predicted to be tolerated by in silico analysis. Since supporting evidence is limited at this time, the clinical significance of this alteration remains unclear.

Color Diagnostics, LLC DBA Color Health
Classification: Uncertain significance for Hereditary cancer-predisposing syndrome. Last evaluated: 2025-04-29. Review status: criteria provided, single submitter. Criteria: ACMG Guidelines, 2015. Collection method: clinical testing. Allele origin: germline.
Comment: This missense variant replaces glutamic acid with glutamine at codon 655 of the BARD1 protein. Computational prediction suggests that this variant may not impact protein structure and function. To our knowledge, functional studies have not been reported for this variant. This variant has not been reported in individuals affected with BARD1-related disorders in the literature. This variant has been identified in 4/282756 chromosomes in the general population by the Genome Aggregation Database (gnomAD). The available evidence is insufficient to determine the role of this variant in disease conclusively. Therefore, this variant is classified as a Variant of Uncertain Significance.

GeneDx
Classification: Uncertain significance. Last evaluated: 2023-02-23. Review status: criteria provided, single submitter. Criteria: GeneDx Variant Classification Process June 2021. Collection method: clinical testing. Allele origin: germline. Affected: yes.
Comment: Not observed at significant frequency in large population cohorts (gnomAD); In silico analysis supports that this missense variant does not alter protein structure/function; Observed in individuals with breast cancer (Chen et al., 2020); This variant is associated with the following publications: (PMID: 32091409)

Department of Pathology and Laboratory Medicine, Sinai Health System
Classification: Uncertain significance for Familial pancreatic carcinoma. Review status: no assertion criteria provided. Collection method: clinical testing. Allele origin: unknown. Affected: yes. Study: The Canadian Open Genetics Repository (COGR). Not counted in ClinVar's aggregate classification.
Comment: The BARD1 p.Glu655Gln variant was not identified in the literature. The variant was identified in dbSNP (rs786203772) as â€šÃ„Ãºwith uncertain significance alleleâ€šÃ„Ã¹ and ClinVar (classified as uncertain significance by Ambry Genetics and GeneDx). The variant was identified in control databases in 3 of 277,104 chromosomes at a frequency of 0.00001 (Genome Aggregation Database Feb 27, 2017). The variant was observed in the following populations: East Asian in 3 of 18,870 chromosomes (freq: 0.0002), but not in the African, Other, Latino, European, Ashkenazi Jewish, Finnish, and South Asian populations. The p.Glu655 residue is not conserved in mammals and computational analyses (PolyPhen-2, SIFT, AlignGVGD, BLOSUM, MutationTaster) do not suggest a high likelihood of impact to the protein; however, this information is not predictive enough to rule out pathogenicity. The variant occurs outside of the splicing consensus sequence and in silico or computational prediction software programs (SpliceSiteFinder, MaxEntScan, NNSPLICE, GeneSplicer) do not predict a difference in splicing. In summary, based on the above information the clinical significance of this variant cannot be determined with certainty at this time. This variant is classified as a variant of uncertain significance.

NM_000465.4(BARD1):c.1963G>C (p.Glu655Gln)

Gene: BARD1 (BRCA1 associated RING domain 1; minus strand). Cytogenetic location: 2q35.
Variant type: single nucleotide variant.
Coding change: c.1963G>C on transcript NM_000465.4 (MANE Select); coding-DNA position 1963, G replaced by C.
Protein change: p.Glu655Gln; replaces glutamic acid 655 with glutamine.
Molecular consequence: missense variant. On other transcripts: non-coding transcript variant (3).
Genome position (GRCh38, 1-based): chr2:214,730,449, C>G on the plus strand (G>C on the coding strand, the complement: BARD1 is on the minus strand). VCF-style: chr2-214730449-C-G. GRCh37 (hg19) VCF-style: chr2-215595173-C-G.
Other names: c.1906G>C, p.Glu636Gln (NM_001282543.2); c.610G>C, p.Glu204Gln (NM_001282545.2); c.553G>C, p.Glu185Gln (NM_001282548.2); c.424G>C, p.Glu142Gln (NM_001282549.2); short protein forms E655Q, E142Q, E204Q, E185Q, E636Q.
Identifiers: ClinVar variation 187488 (VCV000187488.21), dbSNP rs786203772, ClinGen allele CA197769.